The following is an entry in ClinVar:

NM_015721.3(GEMIN4):c.2452T>C (p.Trp818Arg)

Gene: GEMIN4 (gem nuclear organelle associated protein 4; minus strand). Cytogenetic location: 17p13.3.
Variant type: single nucleotide variant.
Coding change: c.2452T>C on transcript NM_015721.3 (MANE Select); coding-DNA position 2452, T replaced by C.
Protein change: p.Trp818Arg; replaces tryptophan 818 with arginine.
Molecular consequence: missense variant.
Genome position (GRCh38, 1-based): chr17:745,591, A>G on the plus strand (T>C on the coding strand, the complement: GEMIN4 is on the minus strand). VCF-style: chr17-745591-A-G. GRCh37 (hg19) VCF-style: chr17-648831-A-G.
Other names: short protein forms W818R.
Identifiers: ClinVar variation 183310 (VCV000183310.5), dbSNP rs730882219, ClinGen allele CA249933.

ClinVar aggregate classification (germline): Pathogenic/Likely pathogenic. Review status: criteria provided, multiple submitters, no conflicts (2 of 4 stars). 4 submissions from 3 submitters: Pathogenic (1); Likely pathogenic (1). 2 of the submissions do not count toward it. Last evaluated 2025-09-10.

Conditions:
Neurodevelopmental disorder with microcephaly, cataracts, and renal abnormalities. Identifiers: MedGen C4693567, MONDO:0060664, OMIM 617913.
Microcephaly. Also called: Microcephaly (disease). Identifiers: MedGen C4551563, MONDO:0001149, HP:0000252.
Severe dystonia. Identifiers: MedGen CN228291.
Developmental cataract. Also called: Congenital cataracts; Congenital cataract; Bilateral cataracts. Identifiers: MedGen C0009691, HP:0000519.
Global developmental delay (DD). Also called: Cognitive delay. Identifiers: MedGen C0557874, HP:0001263. Disease mechanism: loss of function.

Allele frequency attached by ClinVar (database versions not stated): ExAC 0.00001.
gnomAD v4.1: 6 of 1,611,044 alleles (0.00037%); highest among the groups gnomAD compares: South Asian, 0.0066%; no homozygotes.

Submissions (4):

Genomic Medicine Center of Excellence, King Faisal Specialist Hospital and Research Centre
Classification: Pathogenic for Neurodevelopmental disorder with microcephaly, cataracts, and renal abnormalities. Last evaluated: 2025-09-10. Review status: criteria provided, single submitter. Criteria: ACMG Guidelines, 2015. Collection method: clinical testing. Allele origin: germline.

Baylor Genetics
Classification: Likely pathogenic for Neurodevelopmental disorder with microcephaly, cataracts, and renal abnormalities. Last evaluated: 2020-06-03. Review status: criteria provided, single submitter. Criteria: ACMG Guidelines, 2015. Collection method: clinical testing. Allele origin: unknown. Affected: yes.
Comment: This variant was determined to be likely pathogenic according to ACMG Guidelines, 2015 [PMID:25741868].

OMIM
Classification: Pathogenic for NEURODEVELOPMENTAL DISORDER WITH MICROCEPHALY, CATARACTS, AND RENAL ABNORMALITIES. Last evaluated: 2015-01-13. Review status: no assertion criteria provided. Collection method: literature only. Allele origin: germline. Not counted in ClinVar's aggregate classification.

Genomic Medicine Center of Excellence, King Faisal Specialist Hospital and Research Centre
Classification: Likely pathogenic for Global developmental delay; Severe dystonia; Microcephaly; Congenital cataract. Last evaluated: 2014-12-01. Review status: no assertion criteria provided. Criteria: research. Collection method: research. Allele origin: germline. Affected: yes. Not counted in ClinVar's aggregate classification.

Literature cited by the submitters: PubMed 25558065 (cited by OMIM and Genomic Medicine Center of Excellence, King Faisal Specialist Hospital and Research Centre); PubMed 27878435 (cited by OMIM).